The following is an entry in ClinVar:

ClinVar aggregate classification (germline): Pathogenic/Likely pathogenic. Review status: criteria provided, multiple submitters, no conflicts (2 of 4 stars). 10 submissions from 10 submitters: Pathogenic (4); Likely pathogenic (4). 2 of the submissions do not count toward it. Last evaluated 2026-08-12.

Conditions:
C7-related disorders.
C7-related disorder. Also called: C7-related condition.
Complement component 7 deficiency (C7D). Also called: C7 DEFICIENCY. Identifiers: MedGen C1864694, MONDO:0012412, OMIM 610102.

Allele frequency attached by ClinVar (database versions not stated): gnomAD 0.00006; TOPMed 0.00028.
gnomAD v4.1: 245 of 1,612,162 alleles (0.015%); highest among the groups gnomAD compares: Middle Eastern, 0.21%; no homozygotes.

Submissions (10):

PreventionGenetics, part of Exact Sciences
Classification: Likely pathogenic for C7-related condition. Last evaluated: 2026-08-12. Review status: criteria provided, single submitter. Criteria: ACMG Guidelines, 2015. Collection method: clinical testing. Allele origin: germline.
Comment: The C7 c.1135G>C variant is predicted to result in the amino acid substitution p.Gly379Arg. This variant, also described using legacy nomenclature as p.Gly357Arg, has been reported in the homozygous or heterozygous states in multiple individuals/families with C7 deficiency (Fernie et al. 1997. PubMed ID: 9218625; Vázquez-Bermúdez et al. 2003. PubMed ID: 12869030; Barroso et al. 2004. PubMed ID: 15554930). This variant is reported in 0.020% of alleles in individuals of Latino descent in gnomAD. This variant is interpreted as likely pathogenic.

Labcorp Genetics (formerly Invitae), Labcorp
Classification: Pathogenic. Last evaluated: 2026-01-03. Review status: criteria provided, single submitter. Criteria: Invitae Variant Classification Sherloc (09022015). Collection method: clinical testing. Allele origin: germline.
Comment: This sequence change replaces glycine, which is neutral and non-polar, with arginine, which is basic and polar, at codon 379 of the C7 protein (p.Gly379Arg). This variant is present in population databases (rs121964921, gnomAD 0.02%). This missense change has been observed in individual(s) with C7 deficiency (PMID: 9218625, 12869030, 15554930). In at least one individual the data is consistent with being in trans (on the opposite chromosome) from a pathogenic variant. It has also been observed to segregate with disease in related individuals. This variant is also known as G357R. ClinVar contains an entry for this variant (Variation ID: 12108). Invitae Evidence Modeling of protein sequence and biophysical properties (such as structural, functional, and spatial information, amino acid conservation, physicochemical variation, residue mobility, and thermodynamic stability) indicates that this missense variant is expected to disrupt C7 protein function with a positive predictive value of 80%. For these reasons, this variant has been classified as Pathogenic.

GeneDx
Classification: Pathogenic. Last evaluated: 2025-11-05. Review status: criteria provided, single submitter. Criteria: GeneDx Variant Classification Process June 2021. Collection method: clinical testing. Allele origin: germline. Affected: yes.
Comment: In silico analysis supports that this missense variant has a deleterious effect on protein structure/function; Also known as G357R using alternate nomenclature; This variant is associated with the following publications: (PMID: 11252001, 8871666, 15554930, 12869030, 17407100, 28368462, 31203817, 9218625, 12116267, 31589614, 34426522, 36324046, 37304269, 37885879)

Blueprint Genetics
Classification: Pathogenic for C7-related disorders. Last evaluated: 2024-11-07. Review status: criteria provided, single submitter. Criteria: ACMG Guidelines, 2015. Collection method: clinical testing. Allele origin: germline. Affected: yes. Observed: 5 variant alleles.

Genomic Medicine Center of Excellence, King Faisal Specialist Hospital and Research Centre
Classification: Likely pathogenic for Complement component 7 deficiency. Last evaluated: 2024-03-29. Review status: criteria provided, single submitter. Criteria: ACMG Guidelines, 2015. Collection method: clinical testing. Allele origin: germline.

Laboratorio de Genetica e Diagnostico Molecular, Hospital Israelita Albert Einstein
Classification: Likely pathogenic for Complement component 7 deficiency. Last evaluated: 2024-02-22. Review status: criteria provided, single submitter. Criteria: ACMG Guidelines, 2015. Collection method: clinical testing. Allele origin: germline. Affected: yes.
Comment: ACMG classification criteria: PM2 supporting, PM3 strong, PP3 supporting

Clinical Genetics Laboratory, Skane University Hospital Lund
Classification: Pathogenic. Last evaluated: 2022-05-27. Review status: criteria provided, single submitter. Criteria: ACMG Guidelines, 2015. Collection method: clinical testing. Allele origin: germline. Affected: yes.

Fulgent Genetics
Classification: Likely pathogenic for Complement component 7 deficiency. Last evaluated: 2022-02-07. Review status: criteria provided, single submitter. Criteria: ACMG Guidelines, 2015. Collection method: clinical testing. Allele origin: unknown.

OMIM
Classification: Pathogenic for C7 DEFICIENCY. Last evaluated: 2004-12-01. Review status: no assertion criteria provided. Collection method: literature only. Allele origin: germline. Not counted in ClinVar's aggregate classification.

Department of Pathology and Laboratory Medicine, Sinai Health System
Classification: Uncertain significance for complement component 7 deficiency. Last evaluated: 2022-01-24. Review status: flagged submission. Criteria: ACMG Guidelines, 2015. Collection method: research. Allele origin: germline. Not counted in ClinVar's aggregate classification.
ClinVar note: Reason: Outlier claim with insufficient supporting evidence

Literature cited by the submitters: PubMed 9218625 (cited by Labcorp Genetics (formerly Invitae), Labcorp and OMIM); PubMed 12869030 (cited by Labcorp Genetics (formerly Invitae), Labcorp); PubMed 15554930 (cited by Labcorp Genetics (formerly Invitae), Labcorp and OMIM).

NM_000587.4(C7):c.1135G>C (p.Gly379Arg)

Gene: C7 (complement C7; plus strand). Cytogenetic location: 5p13.1.
Variant type: single nucleotide variant.
Coding change: c.1135G>C on transcript NM_000587.4 (MANE Select); coding-DNA position 1135, G replaced by C.
Protein change: p.Gly379Arg; replaces glycine 379 with arginine.
Molecular consequence: missense variant.
Genome position (GRCh38, 1-based): chr5:40,955,428, G>C. VCF-style: chr5-40955428-G-C. GRCh37 (hg19) VCF-style: chr5-40955530-G-C.
Other names: C7, GLY357ARG; G357R; c.1135G>C, p.Gly379Arg (LRG_30t1); c.1135G>C (NM_000587.3); short protein forms G379R.
Identifiers: ClinVar variation 12108 (VCV000012108.24), dbSNP rs121964921, ClinGen allele CA121894.